The following is an entry in ClinVar:

NM_015705.6(SGSM3):c.1450C>T (p.Arg484Ter)

Gene: SGSM3 (small G protein signaling modulator 3; plus strand). Cytogenetic location: 22q13.1.
Variant type: single nucleotide variant.
Coding change: c.1450C>T on transcript NM_015705.6 (MANE Select); coding-DNA position 1450, C replaced by T.
Protein change: p.Arg484Ter; replaces arginine 484 with a stop codon.
Molecular consequence: nonsense. On other transcripts: non-coding transcript variant (4).
Genome position (GRCh38, 1-based): chr22:40,407,494, C>T. VCF-style: chr22-40407494-C-T. GRCh37 (hg19) VCF-style: chr22-40803498-C-T.
Other names: c.1261C>T, p.Arg421Ter (NM_001301849.2, NM_001350042.2, NM_001350044.2 and 1 more transcripts); c.1450C>T, p.Arg484Ter (NM_001350039.2, NM_001350040.2, NM_001350041.2); c.1249C>T, p.Arg417Ter (NM_001350043.2, NM_001350046.2, NM_001350047.2); c.952C>T, p.Arg318Ter (NM_001350048.2); short protein forms R318*, R417*, R421*, R484*.
Identifiers: ClinVar variation 4854229 (VCV004854229.1).

ClinVar aggregate classification (germline): Likely pathogenic (1 of 4 stars; one submission).

Conditions:
Intellectual developmental disorder, autosomal recessive 84. Identifiers: MedGen C6065961, MONDO:0980746, OMIM 620401.

gnomAD v4.1: 9 of 1,610,996 alleles (0.00056%); highest among the groups gnomAD compares: East Asian, 0.0022%; no homozygotes.

Submission:

3billion
Classification: Likely pathogenic for Intellectual developmental disorder, autosomal recessive 84. Last evaluated: 2025-07-15. Review status: criteria provided, single submitter. Criteria: ACMG Guidelines, 2015. Collection method: clinical testing. Allele origin: germline. Affected: yes.
Comment: The variant is observed at an extremely low frequency in the gnomAD v4.1.0 dataset (total allele frequency: <0.001%). Predicted Consequence/Location: Stop-gained (nonsense): predicted to result in a loss or disruption of normal protein function through nonsense-mediated decay (NMD) or protein truncation. Multiple pathogenic variants are reported downstream of the variant. Therefore, this variant is classified as Likely pathogenic according to the recommendation of ACMG/AMP guideline.